The following is an entry in ClinVar:

NM_000260.4(MYO7A):c.3630+2T>A

Gene: MYO7A (myosin VIIA; plus strand). Cytogenetic location: 11q13.5.
Variant type: single nucleotide variant.
Coding change: c.3630+2T>A on transcript NM_000260.4 (MANE Select); the canonical splice donor site of the intron after coding-DNA position 3630, T replaced by A.
Molecular consequence: splice donor variant.
Genome position (GRCh38, 1-based): chr11:77,189,472, T>A. VCF-style: chr11-77189472-T-A. GRCh37 (hg19) VCF-style: chr11-76900517-T-A.
Other names: c.3597+2T>A (NM_001369365.1); c.3630+2T>A (NM_001127180.2).
Identifiers: ClinVar variation 5004865 (VCV005004865.1).

ClinVar aggregate classification (germline): Likely pathogenic (1 of 4 stars; one submission).

Conditions:
Usher syndrome type 1 (USH1). Also called: RETINITIS PIGMENTOSA AND CONGENITAL DEAFNESS. Identifiers: Orphanet 231169, Orphanet 886, MedGen C1568247, MONDO:0010168, OMIM 276900.

gnomAD v4.1: 1 of 1,613,306 alleles (0.000062%); highest among the groups gnomAD compares: Non-Finnish European, 0.000085%; no homozygotes.

Submission:

Myriad Genetics, Inc.
Classification: Likely pathogenic for Usher syndrome type 1. Last evaluated: 2026-08-21. Review status: criteria provided, single submitter. Criteria: Myriad Autosomal Dominant, Autosomal Recessive and X-Linked Classification Criteria (2023). Collection method: clinical testing. Allele origin: unknown.
Comment: NM_000260.3(MYO7A):c.3630+2T>A is a variant in a canonical splice site classified as likely pathogenic in the context of MYO7A-related disorders. c.3630+2T>A has not been observed in cases with relevant disease. Relevant functional assessments of this variant are not available in the literature. c.3630+2T>A has not been observed in referenced population frequency databases. In summary, NM_000260.3(MYO7A):c.3630+2T>A is a variant in a canonical splice site in a gene where loss of function is a known mechanism of disease and is predicted to disrupt protein function. Please note: this variant was assessed in the context of healthy population screening.